The following is an entry in ClinVar:

ClinVar aggregate classification (germline): Likely pathogenic (1 of 4 stars; one submission).

Conditions:
Nemaline myopathy 2 (NEM2). Also called: Nemaline myopathy 2, autosomal recessive. Identifiers: MedGen C1850569, MONDO:0009725, OMIM 256030.

Submission:

Labcorp Genetics (formerly Invitae), Labcorp
Classification: Likely pathogenic for Nemaline myopathy 2. Last evaluated: 2022-06-09. Review status: criteria provided, single submitter. Criteria: Invitae Variant Classification Sherloc (09022015). Collection method: clinical testing. Allele origin: unknown.
Comment: In summary, the currently available evidence indicates that the variant is pathogenic, but additional data are needed to prove that conclusively. Therefore, this variant has been classified as Likely Pathogenic. This variant disrupts a region of the NEB protein in which other variant(s) (p.Lys845Glu) have been observed in individuals with NEB-related conditions (PMID: 25214167). This suggests that this is a clinically significant region of the protein, and that variants that disrupt it are likely to be disease-causing. ClinVar contains an entry for this variant (Variation ID: 847953). This variant has not been reported in the literature in individuals affected with NEB-related conditions. This variant results in the deletion of exon 27 and part of exon 26 (c.2472_2638-456delinsTTTGTTATAATA) of the NEB gene. It is expected to disrupt RNA splicing. Variants that disrupt the donor or acceptor splice site typically lead to a loss of protein function (PMID: 16199547), and loss-of-function variants in NEB are known to be pathogenic (PMID: 25205138).

Literature cited by the submitters: PubMed 25214167; PubMed 16199547; PubMed 25205138.

NC_000002.11:g.(?_152541945)_(152544192_?)del

Gene: NEB (nebulin; minus strand). Cytogenetic location: 2q23.3.
Variant type: Deletion.
Identifiers: ClinVar variation 3247267 (VCV003247267.1).